The following is an entry in ClinVar:

ClinVar aggregate classification (germline): Uncertain significance (1 of 4 stars; one submission).

gnomAD v4.1: 1 of 1,613,662 alleles (0.000062%); highest among the groups gnomAD compares: African/African-American, 0.0013%; no homozygotes.

Submission:

Labcorp Genetics (formerly Invitae), Labcorp
Classification: Uncertain significance. Last evaluated: 2023-09-05. Review status: criteria provided, single submitter. Criteria: Invitae Variant Classification Sherloc (09022015). Collection method: clinical testing. Allele origin: germline.
Comment: This variant has not been reported in the literature in individuals affected with FBN3-related conditions. In summary, the available evidence is currently insufficient to determine the role of this variant in disease. Therefore, it has been classified as a Variant of Uncertain Significance. Advanced modeling of protein sequence and biophysical properties (such as structural, functional, and spatial information, amino acid conservation, physicochemical variation, residue mobility, and thermodynamic stability) performed at Invitae indicates that this missense variant is not expected to disrupt FBN3 protein function. This variant is present in population databases (no rsID available, gnomAD 0.01%). This sequence change replaces arginine, which is basic and polar, with glycine, which is neutral and non-polar, at codon 1160 of the FBN3 protein (p.Arg1160Gly).

NM_032447.5(FBN3):c.3478C>G (p.Arg1160Gly)

Gene: FBN3 (fibrillin 3; minus strand). Cytogenetic location: 19p13.2.
Variant type: single nucleotide variant.
Coding change: c.3478C>G on transcript NM_032447.5 (MANE Select); coding-DNA position 3478, C replaced by G.
Protein change: p.Arg1160Gly; replaces arginine 1160 with glycine.
Molecular consequence: missense variant.
Genome position (GRCh38, 1-based): chr19:8,117,277, G>C on the plus strand (C>G on the coding strand, the complement: FBN3 is on the minus strand). VCF-style: chr19-8117277-G-C. GRCh37 (hg19) VCF-style: chr19-8182161-G-C.
Other names: c.3478C>G, p.Arg1160Gly (NM_001321431.2); short protein forms R1160G.
Identifiers: ClinVar variation 2876802 (VCV002876802.3), dbSNP rs555618425, ClinGen allele CA403685727.